The following is an entry in ClinVar:

ClinVar aggregate classification (germline): Likely benign (0 of 4 stars; one submission).

Conditions:
ITSN1-related disorder. Also called: ITSN1-related condition.

gnomAD v4.1: 15 of 1,549,006 alleles (0.00097%); highest among the groups gnomAD compares: African/African-American, 0.018%; no homozygotes.

Submission:

PreventionGenetics, part of Exact Sciences
Classification: Likely benign for ITSN1-related condition. Last evaluated: 2023-01-10. Review status: no assertion criteria provided. Collection method: clinical testing. Allele origin: germline.
Comment: This variant is classified as likely benign based on ACMG/AMP sequence variant interpretation guidelines (Richards et al. 2015 PMID: 25741868, with internal and published modifications).

NM_003024.3(ITSN1):c.5017+8G>T

Gene: ITSN1 (intersectin 1; plus strand). Cytogenetic location: 21q22.11.
Variant type: single nucleotide variant.
Coding change: c.5017+8G>T on transcript NM_003024.3 (MANE Select); 8 bases into the intron after coding-DNA position 5017, G replaced by T.
Molecular consequence: intron variant.
Genome position (GRCh38, 1-based): chr21:33,886,468, G>T. VCF-style: chr21-33886468-G-T. GRCh37 (hg19) VCF-style: chr21-35258772-G-T.
Other names: c.5002+8G>T (NM_001331010.2).
Identifiers: ClinVar variation 3353820 (VCV003353820.1).
Genomic context (GRCh38, chr21:33,886,468, plus strand): 5'-GCAGGAAGTCCTCTGCATCACTGTGTTCGAGAGGGACCAGTTCTCACCAGATGGTGAGTG[G>T]AACGCGGCCCTGTGGTTATTCCTCCTTCCCTGGCACTCGTTTGCGTGGGTTAATGTTTTC-3'